The following is an entry in ClinVar:

NM_018834.6(MATR3):c.2240C>A (p.Ser747Tyr)

Gene: MATR3 (matrin 3; plus strand). Cytogenetic location: 5q31.2.
Variant type: single nucleotide variant.
Coding change: c.2240C>A on transcript NM_018834.6 (MANE Select); coding-DNA position 2240, C replaced by A.
Protein change: p.Ser747Tyr; replaces serine 747 with tyrosine.
Molecular consequence: missense variant.
Genome position (GRCh38, 1-based): chr5:139,325,531, C>A. VCF-style: chr5-139325531-C-A. GRCh37 (hg19) VCF-style: chr5-138661220-C-A.
Other names: c.2240C>A, p.Ser747Tyr (NM_001194954.2, NM_001194955.2, NM_001400447.1 and 11 more transcripts); c.1376C>A, p.Ser459Tyr (NM_001194956.2); c.1226C>A, p.Ser409Tyr (NM_001282278.2, NM_001400462.1, NM_001400463.1 and 4 more transcripts); c.2384C>A, p.Ser795Tyr (NM_001400441.1, NM_001400442.1, NM_001400443.1 and 2 more transcripts); c.1379C>A, p.Ser460Tyr (NM_001400459.1); c.1370C>A, p.Ser457Tyr (NM_001400460.1); c.1340C>A, p.Ser447Tyr (NM_001400461.1); short protein forms S447Y, S457Y, S747Y, S409Y, S460Y, S795Y, S459Y.
Identifiers: ClinVar variation 4739658 (VCV004739658.1).
Genomic context (GRCh38, chr5:139,325,531, plus strand): 5'-ACGAAGCAGCGTTGGAAAATGGAATTAAAAATGAGGAAAACACAGAACCAGGTGCTGAAT[C>A]TTCTGAGAACGCTGATGATCCCAACAAAGATACAAGTGAAAACGCAGATGGTCAAAGTGA-3'
Protein context (NP_061322.2, residues 737-757): NEENTEPGAE[Ser747Tyr]SENADDPNKD

ClinVar aggregate classification (germline): Uncertain significance (1 of 4 stars; one submission).

Conditions:
Amyotrophic lateral sclerosis type 21. Also called: MYOPATHY, DISTAL, 2; VOCAL CORD AND PHARYNGEAL DYSFUNCTION WITH DISTAL MYOPATHY. Identifiers: Orphanet 600, Orphanet 803, MedGen C3807521, MONDO:0011632, OMIM 606070.

gnomAD v4.1: 20 of 1,614,072 alleles (0.0012%); highest among the groups gnomAD compares: South Asian, 0.02%; no homozygotes.

Submission:

Labcorp Genetics (formerly Invitae), Labcorp
Classification: Uncertain significance for Amyotrophic lateral sclerosis type 21. Last evaluated: 2025-12-07. Review status: criteria provided, single submitter. Criteria: Invitae Variant Classification Sherloc (09022015). Collection method: clinical testing. Allele origin: germline.
Comment: This sequence change replaces serine, which is neutral and polar, with tyrosine, which is neutral and polar, at codon 747 of the MATR3 protein (p.Ser747Tyr). This variant is present in population databases (rs769251601, gnomAD 0.02%). This missense change has been observed in individual(s) with clinical features of amyotrophic lateral sclerosis (PMID: 29411640). Invitae Evidence Modeling of protein sequence and biophysical properties (such as structural, functional, and spatial information, amino acid conservation, physicochemical variation, residue mobility, and thermodynamic stability) indicates that this missense variant is not expected to disrupt MATR3 protein function with a negative predictive value of 80%. In summary, the available evidence is currently insufficient to determine the role of this variant in disease. Therefore, it has been classified as a Variant of Uncertain Significance.

Literature cited by the submitters: PubMed 29411640.